The following is an entry in ClinVar:

NM_152545.3(RASGEF1B):c.664A>G (p.Asn222Asp)

Gene: RASGEF1B (RasGEF domain family member 1B; minus strand). Cytogenetic location: 4q21.21.
Variant type: single nucleotide variant.
Coding change: c.664A>G on transcript NM_152545.3 (MANE Select); coding-DNA position 664, A replaced by G.
Protein change: p.Asn222Asp; replaces asparagine 222 with aspartic acid.
Molecular consequence: missense variant.
Genome position (GRCh38, 1-based): chr4:81,447,569, T>C on the plus strand (A>G on the coding strand, the complement: RASGEF1B is on the minus strand). VCF-style: chr4-81447569-T-C. GRCh37 (hg19) VCF-style: chr4-82368723-T-C.
Other names: c.661A>G, p.Asn221Asp (NM_001300735.2); c.538A>G, p.Asn180Asp (NM_001300736.2); short protein forms N180D, N221D, N222D.
Identifiers: ClinVar variation 3039822 (VCV003039822.2), dbSNP rs111863430, ClinGen allele CA2984290.

ClinVar aggregate classification (germline): Benign (0 of 4 stars; one submission).

Conditions:
RASGEF1B-related disorder. Also called: RASGEF1B-related condition.

Allele frequency attached by ClinVar (database versions not stated): TOPMed 0.00043; ESP Exome Variant Server 0.00062; 1000 Genomes Project 30x 0.00094; 1000 Genomes Project 0.00120; gnomAD exomes 0.00207; ExAC 0.00355; gnomAD 0.00408.
gnomAD v4.1: 3,600 of 1,613,832 alleles (0.22%); highest among the groups gnomAD compares: Non-Finnish European, 0.069%; 59 homozygotes.

Submission:

PreventionGenetics, part of Exact Sciences
Classification: Benign for RASGEF1B-related condition. Last evaluated: 2019-09-17. Review status: no assertion criteria provided. Collection method: clinical testing. Allele origin: germline.
Comment: This variant is classified as benign based on ACMG/AMP sequence variant interpretation guidelines (Richards et al. 2015 PMID: 25741868, with internal and published modifications).